The following is an entry in ClinVar:

ClinVar aggregate classification (germline): Uncertain significance (1 of 4 stars; one submission).

Conditions:
Hereditary cancer-predisposing syndrome. Also called: Neoplastic Syndromes, Hereditary; Tumor predisposition; Hereditary Cancer Syndrome; Hereditary neoplastic syndrome. Identifiers: Orphanet 140162, MedGen C0027672, MeSH D009386, MONDO:0015356.

Submission:

Ambry Genetics
Classification: Uncertain significance for Hereditary cancer-predisposing syndrome. Last evaluated: 2026-06-03. Review status: criteria provided, single submitter. Criteria: Ambry Variant Classification Scheme 2023. Collection method: clinical testing. Allele origin: germline.
Comment: The c.3099_3101delCTCinsTTT variant, located in coding exon 19 of the ALK gene, results from an in-frame deletion of CTC and insertion of TTT at nucleotide positions 3099 to 3101. This results in the substitution of the serine residue for a leucine residue at codon 1034, an amino acid with dissimilar properties. This amino acid position is well conserved in available vertebrate species. The in silico prediction by BayesDel for this alteration is inconclusive. Based on the available evidence, the clinical significance of this variant remains unclear.

NM_004304.5(ALK):c.3099_3101delinsTTT (p.Ser1034Leu)

Gene: ALK (ALK receptor tyrosine kinase; minus strand). Cytogenetic location: 2p23.2.
Variant type: Indel.
Coding change: c.3099_3101delinsTTT on transcript NM_004304.5 (MANE Select); coding-DNA positions 3099 to 3101, CTC replaced by TTT.
Protein change: p.Ser1034Leu; replaces serine 1034 with leucine.
Molecular consequence: missense variant.
Genome position (GRCh38, 1-based): chr2:29,225,532-29,225,534, GAG replaced by AAA on the plus strand (CTC replaced by TTT on the coding strand, the reverse complement: ALK is on the minus strand). VCF-style: chr2-29225532-GAG-AAA. GRCh37 (hg19) VCF-style: chr2-29448398-GAG-AAA.
Other names: short protein forms S1034L.
Identifiers: ClinVar variation 4869822 (VCV004869822.1).